The following is an entry in ClinVar:

ClinVar aggregate classification (germline): Conflicting classifications of pathogenicity. Review status: criteria provided, conflicting classifications (1 of 4 stars). 3 submissions from 3 submitters: Uncertain significance (2); Benign (1). Last evaluated 2026-03-17.

Conditions:
Familial melanoma. Also called: Hereditary melanoma; Hereditary cutaneous melanoma. Identifiers: Orphanet 618, MedGen C1512419, MONDO:0018961.
Hereditary cancer-predisposing syndrome. Also called: Neoplastic Syndromes, Hereditary; Tumor predisposition; Hereditary Cancer Syndrome; Hereditary neoplastic syndrome. Identifiers: Orphanet 140162, MedGen C0027672, MeSH D009386, MONDO:0015356.
Melanoma, cutaneous malignant, susceptibility to, 3. Also called: Cutaneous malignant melanoma 3. Identifiers: Orphanet 618, MedGen C1836892, MONDO:0012183, OMIM 609048.

gnomAD v4.1: 2 of 1,614,186 alleles (0.00012%); highest among the groups gnomAD compares: South Asian, 0.0022%; no homozygotes.

Submissions (3):

Ambry Genetics
Classification: Uncertain significance for Hereditary cancer-predisposing syndrome. Last evaluated: 2026-03-17. Review status: criteria provided, single submitter. Criteria: Ambry Variant Classification Scheme 2023. Collection method: clinical testing. Allele origin: germline.
Comment: The c.171G>A variant (also known as p.V57V), located in coding exon 1 of the CDK4 gene, results from a G to A substitution at nucleotide position 171. This nucleotide substitution does not change the amino acid at codon 57. This nucleotide position is well conserved in available vertebrate species. In silico splice site analysis predicts that this alteration will result in the creation or strengthening of a novel splice donor site. Based on the available evidence, the clinical significance of this variant remains unclear.

Labcorp Genetics (formerly Invitae), Labcorp
Classification: Uncertain significance for Familial melanoma. Last evaluated: 2024-09-27. Review status: criteria provided, single submitter. Criteria: Invitae Variant Classification Sherloc (09022015). Collection method: clinical testing. Allele origin: germline.
Comment: This sequence change affects codon 57 of the CDK4 mRNA. It is a 'silent' change, meaning that it does not change the encoded amino acid sequence of the CDK4 protein. This variant is present in population databases (no rsID available, gnomAD 0.003%). This variant has not been reported in the literature in individuals affected with CDK4-related conditions. Algorithms developed to predict the effect of sequence changes on RNA splicing suggest that this variant may create or strengthen a splice site. In summary, the available evidence is currently insufficient to determine the role of this variant in disease. Therefore, it has been classified as a Variant of Uncertain Significance.

Myriad Genetics, Inc.
Classification: Benign for Melanoma, cutaneous malignant, susceptibility to, 3. Last evaluated: 2024-09-24. Review status: criteria provided, single submitter. Criteria: Myriad Autosomal Dominant, Autosomal Recessive and X-Linked Classification Criteria (2023). Collection method: clinical testing. Allele origin: unknown.
Comment: This variant is considered benign. This variant is a silent/synonymous amino acid change and it is not expected to impact splicing.

NM_000075.4(CDK4):c.171G>A (p.Val57=)

Genes: CDK4 (cyclin dependent kinase 4; minus strand), LOC130008148 (ATAC-STARR-seq lymphoblastoid silent region 4588; plus strand). Cytogenetic location: 12q14.1.
Variant type: single nucleotide variant.
Coding change: c.171G>A on transcript NM_000075.4 (MANE Select); coding-DNA position 171, G replaced by A.
Protein change: p.Val57=; no amino-acid change (valine 57 retained).
Molecular consequence: synonymous variant.
Genome position (GRCh38, 1-based): chr12:57,751,547, C>T on the plus strand (G>A on the coding strand, the complement: CDK4 is on the minus strand). VCF-style: chr12-57751547-C-T. GRCh37 (hg19) VCF-style: chr12-58145330-C-T.
Other names: c.171G>A (NM_000075.3).
Identifiers: ClinVar variation 3378439 (VCV003378439.4).